The following is an entry in ClinVar:

ClinVar aggregate classification (germline): Uncertain significance (1 of 4 stars; one submission).

Conditions:
Neurodegeneration with brain iron accumulation 4 (NBIA4). Also called: MITOCHONDRIAL PROTEIN-ASSOCIATED NEURODEGENERATION. Identifiers: Orphanet 289560, MedGen C3280371, MONDO:0013674, OMIM 614298. Disease mechanism: loss of function.

Allele frequency attached by ClinVar (database versions not stated): ExAC 0.00001.

Submission:

Foundation for Research in Genetics and Endocrinology, FRIGE's Institute of Human Genetics
Classification: Uncertain significance for Neurodegeneration with brain iron accumulation 4. Last evaluated: 2021-03-26. Review status: criteria provided, single submitter. Criteria: ACMG Guidelines, 2015. Collection method: clinical testing. Allele origin: germline. Inheritance: Autosomal dominant inheritance. Affected: yes. Observed: 1 heterozygote.
Comment: A heterozygous missense variant in exon 3 of the C19orf12 gene that results in the amino acid substitution of Histidine for Tyrosine at codon 150 was detected. The p.Tyr150His variant has not been reported in the 1000 genomes and gnomAD databases. The in-silico predictions of the variant are possibly damaging by Polyphen-2 and damaging by LRT and MutationTaster2. The reference codon is conserved across species. In summary, based on the above evidence- this variant is classified as a variant of uncertain significance.

NM_031448.6(C19orf12):c.415T>C (p.Tyr139His)

Gene: C19orf12 (chromosome 19 open reading frame 12; minus strand). Cytogenetic location: 19q12.
Variant type: single nucleotide variant.
Coding change: c.415T>C on transcript NM_031448.6 (MANE Select); coding-DNA position 415, T replaced by C.
Protein change: p.Tyr139His; replaces tyrosine 139 with histidine.
Molecular consequence: missense variant. On other transcripts: 3 prime UTR variant (1).
Genome position (GRCh38, 1-based): chr19:29,702,723, A>G on the plus strand (T>C on the coding strand, the complement: C19orf12 is on the minus strand). VCF-style: chr19-29702723-A-G. GRCh37 (hg19) VCF-style: chr19-30193630-A-G.
Other names: p.Tyr150His; c.415T>C, p.Tyr139His (NM_001031726.4, NM_001256047.2); c.*36T>C (NM_001256046.3); c.223T>C, p.Tyr75His (NM_001282929.1, NM_001282930.3, NM_001282931.3); short protein forms Y139H, Y75H.
Identifiers: ClinVar variation 2444859 (VCV002444859.2), dbSNP rs753880224, ClinGen allele CA9351862.